The following is an entry in ClinVar:

NM_002180.3(IGHMBP2):c.1328G>A (p.Arg443His)

Gene: IGHMBP2 (immunoglobulin mu DNA binding protein 2; plus strand). Cytogenetic location: 11q13.3.
Variant type: single nucleotide variant.
Coding change: c.1328G>A on transcript NM_002180.3 (MANE Select); coding-DNA position 1328, G replaced by A.
Protein change: p.Arg443His; replaces arginine 443 with histidine.
Molecular consequence: missense variant.
Genome position (GRCh38, 1-based): chr11:68,933,391, G>A. VCF-style: chr11-68933391-G-A. GRCh37 (hg19) VCF-style: chr11-68700859-G-A.
Other names: short protein forms R443H.
Identifiers: ClinVar variation 863993 (VCV000863993.10), dbSNP rs757304363, ClinGen allele CA6153605.

ClinVar aggregate classification (germline): Conflicting classifications of pathogenicity. Review status: criteria provided, conflicting classifications (1 of 4 stars). 3 submissions from 3 submitters: Likely pathogenic (1); Uncertain significance (2). Last evaluated 2025-04-24.

Conditions:
Autosomal recessive distal spinal muscular atrophy 1. Also called: NEURONOPATHY, DISTAL HEREDITARY MOTOR, HARDING TYPE VI; NEUROPATHY, DISTAL HEREDITARY MOTOR, AUTOSOMAL RECESSIVE 1; HMN VI; SEVERE INFANTILE AXONAL NEUROPATHY WITH RESPIRATORY FAILURE; SPINAL MUSCULAR ATROPHY, DIAPHRAGMATIC; Spinal muscular atrophy with respiratory distress 1. Identifiers: Orphanet 98920, MedGen C1858517, MONDO:0011436, OMIM 604320.
Charcot-Marie-Tooth disease axonal type 2S. Also called: CHARCOT-MARIE-TOOTH DISEASE, AXONAL, AUTOSOMAL RECESSIVE, TYPE 2S; CHARCOT-MARIE-TOOTH NEUROPATHY, TYPE 2S. Identifiers: Orphanet 443073, MedGen C4015349, MONDO:0014511, OMIM 616155.

Allele frequency attached by ClinVar (database versions not stated): gnomAD exomes 0.00001; ExAC 0.00003.
gnomAD v4.1: 5 of 1,612,630 alleles (0.00031%); highest among the groups gnomAD compares: South Asian, 0.0044%; no homozygotes.

Submissions (3):

Women's Health and Genetics/Laboratory Corporation of America, LabCorp
Classification: Uncertain significance. Last evaluated: 2025-04-24. Review status: criteria provided, single submitter. Criteria: LabCorp Variant Classification Summary - May 2015. Collection method: clinical testing. Allele origin: germline.
Comment: Variant summary: IGHMBP2 c.1328G>A (p.Arg443His) results in a non-conservative amino acid change in the encoded protein sequence. Five of five in-silico tools predict a damaging effect of the variant on protein function. The variant allele was found at a frequency of 1.2e-05 in 248090 control chromosomes. The available data on variant occurrences in the general population are insufficient to allow any conclusion about variant significance. c.1328G>A has been observed in at least one individual without clinical information in compound heterozygous state. These report(s) do not provide unequivocal conclusions about association of the variant with Charcot-Marie-Tooth disease axonal type 2S. To our knowledge, no experimental evidence demonstrating an impact on protein function has been reported. The following publication have been ascertained in the context of this evaluation (PMID: 38259611). ClinVar contains an entry for this variant (Variation ID: 863993). Based on the evidence outlined above, the variant was classified as uncertain significance.

Clinical Genetics and Genomics, Karolinska University Hospital
Classification: Likely pathogenic for Autosomal recessive distal spinal muscular atrophy 1. Last evaluated: 2024-07-22. Review status: criteria provided, single submitter. Criteria: ACMG Guidelines, 2015. Collection method: clinical testing. Allele origin: germline. Affected: yes.
Comment: ClinVar contains an entry for this variant (Variation ID: 863993). In silico prediction indicates that this missense variant is expected to disrupt IGHMBP2 protein function. The same amino acid is reported as pathogenic (p.Arg443Cys; Variation ID: 617575). This variant has been classified as Likely Pathogenic.

Labcorp Genetics (formerly Invitae), Labcorp
Classification: Uncertain significance for Autosomal recessive distal spinal muscular atrophy 1; Charcot-Marie-Tooth disease axonal type 2S. Last evaluated: 2022-02-05. Review status: criteria provided, single submitter. Criteria: Invitae Variant Classification Sherloc (09022015). Collection method: clinical testing. Allele origin: germline.
Comment: This sequence change replaces arginine, which is basic and polar, with histidine, which is basic and polar, at codon 443 of the IGHMBP2 protein (p.Arg443His). The frequency data for this variant in the population databases is considered unreliable, as metrics indicate poor data quality at this position in the gnomAD database. This missense change has been observed in individual(s) with clinical features of IGHMBP2-related conditions (Invitae). ClinVar contains an entry for this variant (Variation ID: 863993). Advanced modeling of protein sequence and biophysical properties (such as structural, functional, and spatial information, amino acid conservation, physicochemical variation, residue mobility, and thermodynamic stability) performed at Invitae indicates that this missense variant is expected to disrupt IGHMBP2 protein function. In summary, the available evidence is currently insufficient to determine the role of this variant in disease. Therefore, it has been classified as a Variant of Uncertain Significance.

Literature cited by the submitters: PubMed 38259611 (cited by Women's Health and Genetics/Laboratory Corporation of America, LabCorp).